The following is an entry in ClinVar:

NM_002204.4(ITGA3):c.2501C>T (p.Thr834Met)

Gene: ITGA3 (integrin subunit alpha 3; plus strand). Cytogenetic location: 17q21.33.
Variant type: single nucleotide variant.
Coding change: c.2501C>T on transcript NM_002204.4 (MANE Select); coding-DNA position 2501, C replaced by T.
Protein change: p.Thr834Met; replaces threonine 834 with methionine.
Molecular consequence: missense variant.
Genome position (GRCh38, 1-based): chr17:50,079,176, C>T. VCF-style: chr17-50079176-C-T. GRCh37 (hg19) VCF-style: chr17-48156540-C-T.
Other names: c.2501C>T (NM_002204.3); short protein forms T834M.
Identifiers: ClinVar variation 2053963 (VCV002053963.4), dbSNP rs140248487, ClinGen allele CA8641946.

ClinVar aggregate classification (germline): Uncertain significance. Review status: criteria provided, multiple submitters, no conflicts (2 of 4 stars). 3 submissions from 3 submitters: Uncertain significance (2). 1 of the submissions does not count toward it. Last evaluated 2024-06-07.

Conditions:
ITGA3-related disorder. Also called: ITGA3-related condition.

Allele frequency attached by ClinVar (database versions not stated): gnomAD 0.00034; ExAC 0.00038; ESP Exome Variant Server 0.00038; gnomAD exomes 0.00039; TOPMed 0.00044; 1000 Genomes Project 30x 0.00047; 1000 Genomes Project 0.00060.

Submissions (3):

Blueprint Genetics
Classification: Uncertain significance. Last evaluated: 2024-06-07. Review status: criteria provided, single submitter. Criteria: ACMG Guidelines, 2015. Collection method: clinical testing. Allele origin: germline.

Labcorp Genetics (formerly Invitae), Labcorp
Classification: Uncertain significance. Last evaluated: 2023-09-19. Review status: criteria provided, single submitter. Criteria: Invitae Variant Classification Sherloc (09022015). Collection method: clinical testing. Allele origin: germline.
Comment: This variant is present in population databases (rs140248487, gnomAD 0.07%). This variant has not been reported in the literature in individuals affected with ITGA3-related conditions. ClinVar contains an entry for this variant (Variation ID: 2053963). Advanced modeling of protein sequence and biophysical properties (such as structural, functional, and spatial information, amino acid conservation, physicochemical variation, residue mobility, and thermodynamic stability) performed at Invitae indicates that this missense variant is not expected to disrupt ITGA3 protein function. In summary, the available evidence is currently insufficient to determine the role of this variant in disease. Therefore, it has been classified as a Variant of Uncertain Significance. This sequence change replaces threonine, which is neutral and polar, with methionine, which is neutral and non-polar, at codon 834 of the ITGA3 protein (p.Thr834Met).

PreventionGenetics, part of Exact Sciences
Classification: Uncertain significance for ITGA3-related condition. Last evaluated: 2024-04-30. Review status: no assertion criteria provided. Collection method: clinical testing. Allele origin: germline. Not counted in ClinVar's aggregate classification.
Comment: The ITGA3 c.2501C>T variant is predicted to result in the amino acid substitution p.Thr834Met. To our knowledge, this variant has not been reported in the literature. This variant is reported in 0.068% of alleles in individuals of Latino descent in gnomAD. Although we suspect this variant may be benign due to the relatively high allele frequency the general population, at this time, the clinical significance of this variant is uncertain due to the absence of conclusive functional and genetic evidence.